The following is an entry in ClinVar:

ClinVar aggregate classification (germline): Pathogenic. Review status: criteria provided, single submitter (1 of 4 stars). 2 submissions from 1 submitter: Pathogenic (2). Last evaluated 2017-03-21.

Conditions:
Sotos syndrome (SOTOS). Also called: CEREBRAL GIGANTISM; Sotos' syndrome; Distinctive facial appearance, overgrowth in childhood, and learning disabilities or delayed development; CHROMOSOME 5q35 DELETION SYNDROME; SOTOS SYNDROME 1. Identifiers: Orphanet 821, MedGen C0175695, MONDO:0019349, OMIM 117550.
Beckwith-Wiedemann syndrome (BWS). Also called: Exomphalos macroglossia gigantism syndrome; EMG SYNDROME. Identifiers: Orphanet 116, MedGen C0004903, MONDO:0007534, OMIM 130650.

Submissions (2):

Labcorp Genetics (formerly Invitae), Labcorp
Classification: Pathogenic for Beckwith-Wiedemann syndrome. Last evaluated: 2017-03-21. Review status: criteria provided, single submitter. Criteria: Invitae Variant Classification Sherloc (09022015). Collection method: clinical testing. Allele origin: germline.
Comment: This sequence change deletes 2 nucleotides from exon 5 of the NSD1 mRNA (c.3386_3387delTT), causing a frameshift at codon 1129. This creates a premature translational stop signal (p.Phe1129*) and is expected to result in an absent or disrupted protein product. While this particular variant has not been reported in the literature, loss-of-function variants in NSD1 are known to be pathogenic (PMID: 12807965, 15942875, 17565729). For these reasons, this variant has been classified as Pathogenic.

Labcorp Genetics (formerly Invitae), Labcorp
Classification: Pathogenic. Last evaluated: 2017-02-25. Review status: criteria provided, single submitter. Criteria: Invitae Variant Classification Sherloc (09022015). Collection method: clinical testing. Allele origin: germline.
Comment: the same text as in the submission from Labcorp Genetics (formerly Invitae), Labcorp above.

Literature cited by the submitters: PubMed 12807965; PubMed 15942875; PubMed 17565729.

NM_022455.5(NSD1):c.3386_3387del (p.Ser1128_Phe1129insTer)

Gene: NSD1 (nuclear receptor binding SET domain protein 1; plus strand). Cytogenetic location: 5q35.3.
Variant type: Deletion.
Coding change: c.3386_3387del on transcript NM_022455.5 (MANE Select); coding-DNA positions 3386 to 3387, 2 bases deleted (TT; older notation c.3386_3387delTT).
Protein change: p.Ser1128_Phe1129insTer.
Molecular consequence: nonsense. On other transcripts: frameshift variant (11).
Genome position (GRCh38, 1-based): chr5:177,211,785-177,211,786, TT deleted; deleting any 2 consecutive bases within chr5:177,211,783-177,211,786 gives the same sequence; the c. name uses the placement nearest the transcript's 3' end. VCF-style (leftmost placement, unchanged base first): chr5-177211782-CTT-C. GRCh37 (hg19) VCF-style: chr5-176638783-CTT-C.
Other names: c.2513_2514delTT, p.Phe838Terfs (NM_001365684.2, NM_001409306.1, NM_001409307.1 and 3 more transcripts); c.3386_3387delTT, p.Phe1129Terfs (NM_001409301.1, NM_001409302.1, NM_001409303.1); c.2966_2967delTT, p.Phe989Terfs (NM_001409304.1); c.2633_2634delTT, p.Phe878Terfs (NM_001409305.1).
Identifiers: ClinVar variation 454048 (VCV000454048.6), dbSNP rs1554190214, ClinGen allele CA658655925.